The following is an entry in ClinVar:

ClinVar aggregate classification (germline): Uncertain significance (1 of 4 stars; one submission).

Allele frequency attached by ClinVar (database versions not stated): gnomAD exomes below 0.00001.

Submission:

Labcorp Genetics (formerly Invitae), Labcorp
Classification: Uncertain significance. Last evaluated: 2024-02-05. Review status: criteria provided, single submitter. Criteria: Invitae Variant Classification Sherloc (09022015). Collection method: clinical testing. Allele origin: germline.
Comment: This sequence change replaces proline, which is neutral and non-polar, with serine, which is neutral and polar, at codon 232 of the FKBP10 protein (p.Pro232Ser). This variant is not present in population databases (gnomAD no frequency). This variant has not been reported in the literature in individuals affected with FKBP10-related conditions. ClinVar contains an entry for this variant (Variation ID: 1714194). Advanced modeling of protein sequence and biophysical properties (such as structural, functional, and spatial information, amino acid conservation, physicochemical variation, residue mobility, and thermodynamic stability) performed at Invitae indicates that this missense variant is expected to disrupt FKBP10 protein function with a positive predictive value of 80%. In summary, the available evidence is currently insufficient to determine the role of this variant in disease. Therefore, it has been classified as a Variant of Uncertain Significance.

NM_021939.4(FKBP10):c.694C>T (p.Pro232Ser)

Gene: FKBP10 (FKBP prolyl isomerase 10; plus strand). Cytogenetic location: 17q21.2.
Variant type: single nucleotide variant.
Coding change: c.694C>T on transcript NM_021939.4 (MANE Select); coding-DNA position 694, C replaced by T.
Protein change: p.Pro232Ser; replaces proline 232 with serine.
Molecular consequence: missense variant.
Genome position (GRCh38, 1-based): chr17:41,818,494, C>T. VCF-style: chr17-41818494-C-T. GRCh37 (hg19) VCF-style: chr17-39974746-C-T.
Other names: short protein forms P232S.
Identifiers: ClinVar variation 1714194 (VCV001714194.4), dbSNP rs2544433899, ClinGen allele CA399515822.
Genomic context (GRCh38, chr17:41,818,494, plus strand): 5'-AAGGGCATGGACCAGGGGCTGCTGGGCATGTGTCCTGGAGAGAGAAGGAAGATTATCATC[C>T]CTCCATTCCTGGCCTATGGCGAGAAAGGCTATGGTGAGGGTGGGCAAGGACACAAGGGGA-3'
Protein context (NP_068758.3, residues 222-242): CPGERRKIII[Pro232Ser]PFLAYGEKGY